The following is an entry in ClinVar:

ClinVar aggregate classification (germline): Uncertain significance. Review status: criteria provided, multiple submitters, no conflicts (2 of 4 stars). 2 submissions from 2 submitters: Uncertain significance (2). Last evaluated 2026-03-11.

Conditions:
Cardiac arrhythmia. Also called: Arrhythmia; Cardiac rhythm disease. Identifiers: MedGen C0003811, MONDO:0007263, HP:0011675.

Submissions (2):

GeneDx
Classification: Uncertain significance. Last evaluated: 2026-03-11. Review status: criteria provided, single submitter. Criteria: GeneDx Variant Classification Process June 2021. Collection method: clinical testing. Allele origin: germline.
Comment: Not observed at significant frequency in large population cohorts (gnomAD); In-frame deletion of 5 amino acid(s) in a non-repeat region; In silico analysis supports a deleterious effect on protein structure/function; Has not been previously published as pathogenic or benign to our knowledge

Color Diagnostics, LLC DBA Color Health
Classification: Uncertain significance for Cardiac arrhythmia. Last evaluated: 2025-08-08. Review status: criteria provided, single submitter. Criteria: ACMG Guidelines, 2015. Collection method: clinical testing. Allele origin: germline.
Comment: This variant results in the in-frame deletion of 5 amino acids in the KCNQ1 protein. To our knowledge, functional studies have not been reported for this variant. This variant has not been reported in individuals affected with KCNQ1-related disorders in the literature. This variant has not been identified in the general population by the Genome Aggregation Database (gnomAD). The available evidence is insufficient to determine the role of this variant in disease conclusively. Therefore, this variant is classified as a Variant of Uncertain Significance.

NM_000218.3(KCNQ1):c.1967_1981del (p.Ser656_Pro660del)

Genes: KCNQ1 (potassium voltage-gated channel subfamily Q member 1; plus strand), KCNQ1-AS1 (KCNQ1 antisense RNA 1; minus strand). Cytogenetic location: 11p15.4.
Variant type: Deletion.
Coding change: c.1967_1981del on transcript NM_000218.3 (MANE Select); coding-DNA positions 1967 to 1981, 15 bases deleted (GCAACACCCTGCCCA).
Protein change: p.Ser656_Pro660del.
Genome position (GRCh38, 1-based): chr11:2,847,939-2,847,953, GCAACACCCTGCCCA deleted; deleting any 15 consecutive bases within chr11:2,847,931-2,847,953 gives the same sequence; the c. name uses the placement nearest the transcript's 3' end. VCF-style (leftmost placement, unchanged base first): chr11-2847930-TCCTGCCCAGCAACAC-T. GRCh37 (hg19) VCF-style: chr11-2869160-TCCTGCCCAGCAACAC-T.
Other names: c.479_493del, p.Ser160_Pro164del (NM_001406839.1); c.1586_1600del, p.Ser529_Pro533del (NM_181798.2); c.1871_1885del, p.Ser624_Pro628del (NM_001406836.1); c.1697_1711del, p.Ser566_Pro570del (NM_001406837.1); c.1427_1441del, p.Ser476_Pro480del (NM_001406838.1); c.1967_1981del (NM_000218.2).
Identifiers: ClinVar variation 4759139 (VCV004759139.2).
Genomic context (GRCh38, chr11:2,847,930, plus strand): 5'-AGGGCGGGGCCCACATCACCCAGCCCTGCGGCAGTGGCGGCTCCGTCGACCCTGAGCTCT[TCCTGCCCAGCAACAC>T]CCTGCCCACCTACGAGCAGCTGACCGTGCCCAGGAGGGGCCCCGATGAGGGGTCCTGAGG-3'